The following is an entry in ClinVar:

ClinVar aggregate classification (germline): Likely benign. Review status: criteria provided, single submitter (1 of 4 stars). 2 submissions from 2 submitters: Likely benign (1). 1 of the submissions does not count toward it. Last evaluated 2022-12-01.

Conditions:
Hereditary palmoplantar keratoderma, Gamborg-Nielsen type. Identifiers: MedGen CN031296, MONDO:0009489.

Allele frequency attached by ClinVar (database versions not stated): 1000 Genomes Project 30x 0.00125; 1000 Genomes Project 0.00160; TOPMed 0.00468; gnomAD 0.00488; ESP Exome Variant Server 0.00554; ExAC 0.00556; gnomAD exomes 0.00747.

Submissions (2):

CeGaT Center for Human Genetics Tuebingen
Classification: Likely benign. Last evaluated: 2022-12-01. Review status: criteria provided, single submitter. Criteria: CeGaT Center For Human Genetics Tuebingen Variant Classification Criteria Version 2. Collection method: clinical testing. Allele origin: germline. Affected: yes. Observed: 1 variant allele.
Comment: SERPINA12: BS2

Institute for Human Genetics, University Medical Center Freiburg
Classification: Pathogenic. Review status: no assertion criteria provided. Collection method: literature only. Allele origin: germline. Inheritance: Autosomal recessive inheritance. Affected: yes. Observed: 1 homozygote. Not counted in ClinVar's aggregate classification.

Literature cited by the submitters: PubMed 32247861 (cited by Institute for Human Genetics, University Medical Center Freiburg).

NM_001382267.1(SERPINA12):c.631C>T (p.Arg211Ter)

Gene: SERPINA12 (serpin family A member 12; minus strand). Cytogenetic location: 14q32.13.
Variant type: single nucleotide variant.
Coding change: c.631C>T on transcript NM_001382267.1 (MANE Select); coding-DNA position 631, C replaced by T.
Protein change: p.Arg211Ter; replaces arginine 211 with a stop codon.
Molecular consequence: nonsense.
Genome position (GRCh38, 1-based): chr14:94,497,767, G>A on the plus strand (C>T on the coding strand, the complement: SERPINA12 is on the minus strand). VCF-style: chr14-94497767-G-A. GRCh37 (hg19) VCF-style: chr14-94964104-G-A.
Other names: c.631C>T, p.Arg211Ter (NM_001304461.2, NM_173850.4); short protein forms R211*.
Identifiers: ClinVar variation 2574603 (VCV002574603.25), dbSNP rs61757459, ClinGen allele CA7328622.